The following is an entry in ClinVar:

ClinVar aggregate classification (germline): Uncertain significance (1 of 4 stars; one submission).

Submission:

Labcorp Genetics (formerly Invitae), Labcorp
Classification: Uncertain significance. Last evaluated: 2022-05-05. Review status: criteria provided, single submitter. Criteria: Invitae Variant Classification Sherloc (09022015). Collection method: clinical testing. Allele origin: germline.
Comment: This sequence change replaces valine, which is neutral and non-polar, with methionine, which is neutral and non-polar, at codon 417 of the EARS2 protein (p.Val417Met). This variant is not present in population databases (gnomAD no frequency). This variant has not been reported in the literature in individuals affected with EARS2-related conditions. Advanced modeling of protein sequence and biophysical properties (such as structural, functional, and spatial information, amino acid conservation, physicochemical variation, residue mobility, and thermodynamic stability) performed at Invitae indicates that this missense variant is expected to disrupt EARS2 protein function. In summary, the available evidence is currently insufficient to determine the role of this variant in disease. Therefore, it has been classified as a Variant of Uncertain Significance.

NM_001083614.2(EARS2):c.1249G>A (p.Val417Met)

Gene: EARS2 (glutamyl-tRNA synthetase 2, mitochondrial; minus strand). Cytogenetic location: 16p12.2.
Variant type: single nucleotide variant.
Coding change: c.1249G>A on transcript NM_001083614.2 (MANE Select); coding-DNA position 1249, G replaced by A.
Protein change: p.Val417Met; replaces valine 417 with methionine.
Molecular consequence: missense variant. On other transcripts: non-coding transcript variant (1).
Genome position (GRCh38, 1-based): chr16:23,529,605, C>T on the plus strand (G>A on the coding strand, the complement: EARS2 is on the minus strand). VCF-style: chr16-23529605-C-T. GRCh37 (hg19) VCF-style: chr16-23540926-C-T.
Other names: c.1249G>A, p.Val417Met (NM_001308211.1, NM_133451.1); short protein forms V417M.
Identifiers: ClinVar variation 2133635 (VCV002133635.4), dbSNP rs2506847853, ClinGen allele CA395129238.